The following is an entry in ClinVar:

ClinVar aggregate classification (germline): Pathogenic. Review status: criteria provided, single submitter (1 of 4 stars). 3 submissions from 2 submitters: Pathogenic (1). 2 of the submissions do not count toward it. Last evaluated 2020-11-17.

Conditions:
Autosomal recessive nonsyndromic hearing loss 1A (DFNB1A). Also called: Connexin 26 deafness; Deafness nonsyndromic, Connexin 26 linked; GJB6-Related DFNB 1 Nonsyndromic Hearing Loss and Deafness; Deafness, autosomal recessive 1A; Nonsyndromic Hearing Loss and Deafness, DFNB1; GJB2-Related Autosomal Recessive Nonsyndromic Hearing Loss. Identifiers: Orphanet 90636, MedGen C2673759, MONDO:0009076, OMIM 220290.
Autosomal dominant nonsyndromic hearing loss 3A. Identifiers: Orphanet 90635, MedGen C2675750, MONDO:0011103, OMIM 601544.

Submissions (3):

Labcorp Genetics (formerly Invitae), Labcorp
Classification: Pathogenic. Last evaluated: 2020-11-17. Review status: criteria provided, single submitter. Criteria: Invitae Variant Classification Sherloc (09022015). Collection method: clinical testing. Allele origin: germline.
Comment: For these reasons, this variant has been classified as Pathogenic. This sequence change creates a premature translational stop signal (p.Trp172Glyfs*24) in the GJB2 gene. While this is not anticipated to result in nonsense mediated decay, it is expected to disrupt the last 55 amino acid(s) of the GJB2 protein. This variant is not present in population databases (ExAC no frequency). This variant has not been reported in the literature in individuals with GJB2-related conditions. ClinVar contains an entry for this variant (Variation ID: 371755). This variant disrupts the C-terminus of the GJB2 protein. Other variant(s) that disrupt this region (p.Cys211Leufs*5) have been determined to be pathogenic (PMID: 9529365, 12910486, 20863150). This suggests that variants that disrupt this region of the protein are likely to be causative of disease.

Counsyl
Classification: Likely pathogenic for Autosomal recessive nonsyndromic hearing loss 1A. Last evaluated: 2016-07-08. Review status: no assertion criteria provided. Collection method: clinical testing. Allele origin: unknown. Not counted in ClinVar's aggregate classification.

Counsyl
Classification: Likely pathogenic for Autosomal dominant nonsyndromic hearing loss 3A. Last evaluated: 2016-07-08. Review status: no assertion criteria provided. Collection method: clinical testing. Allele origin: unknown. Not counted in ClinVar's aggregate classification.

Literature cited by the submitters: PubMed 9529365 (cited by Labcorp Genetics (formerly Invitae), Labcorp); PubMed 12910486 (cited by Labcorp Genetics (formerly Invitae), Labcorp); PubMed 20863150 (cited by Labcorp Genetics (formerly Invitae), Labcorp).

NM_004004.6(GJB2):c.514del (p.Trp172fs)

Gene: GJB2 (gap junction protein beta 2; minus strand). Cytogenetic location: 13q12.11.
Variant type: Deletion.
Coding change: c.514del on transcript NM_004004.6 (MANE Select); coding-DNA position 514, one base deleted (T; older notation c.514delT).
Protein change: p.Trp172fs; shifts the reading frame from tryptophan 172.
Molecular consequence: frameshift variant.
Genome position (GRCh38, 1-based): chr13:20,189,068, A deleted on the plus strand (T on the coding strand, the reverse complement: GJB2 is on the minus strand). VCF-style (leftmost placement, unchanged base first): chr13-20189067-CA-C. GRCh37 (hg19) VCF-style: chr13-20763206-CA-C.
Other names: short protein forms W172fs.
Identifiers: ClinVar variation 371755 (VCV000371755.11), dbSNP rs1057517508, ClinGen allele CA16041593.